The following is an entry in ClinVar:

ClinVar aggregate classification (germline): Pathogenic (1 of 4 stars; one submission).

Conditions:
Nance-Horan syndrome (NHS). Identifiers: Orphanet 627, MedGen C0796085, MONDO:0010545, OMIM 302350.

Submission:

Labcorp Genetics (formerly Invitae), Labcorp
Classification: Pathogenic for Nance-Horan syndrome. Last evaluated: 2023-06-29. Review status: criteria provided, single submitter. Criteria: Invitae Variant Classification Sherloc (09022015). Collection method: clinical testing. Allele origin: germline.
Comment: For these reasons, this variant has been classified as Pathogenic. A similar copy number variant has been observed in individual(s) with clinical features of Nance-Horan syndrome (Invitae). This variant is a gross deletion of the genomic region encompassing exon(s) 3 of the NHS gene. This deletion is out-of-frame, and is expected to create a premature termination codon and result in an absent or disrupted protein product. Loss-of-function variants in NHS are known to be pathogenic (PMID: 14564667, 19414485).

Literature cited by the submitters: PubMed 14564667; PubMed 19414485.

NC_000023.11:g.(?_17692315)_(17692488_?)del

Gene: NHS (NHS actin remodeling regulator; plus strand). Cytogenetic location: Xp22.13.
Variant type: Deletion.
Identifiers: ClinVar variation 463036 (VCV000463036.8).